The following is an entry in ClinVar:

ClinVar aggregate classification (germline): Likely benign. Review status: criteria provided, multiple submitters, no conflicts (2 of 4 stars). 3 submissions from 3 submitters: Likely benign (3). Last evaluated 2025-07-24.

Conditions:
TTN-related disorder. Also called: TTN-related disorders; TTN-related condition; TTN-related disease.

gnomAD v4.1: 266 of 1,612,866 alleles (0.016%); highest among the groups gnomAD compares: East Asian, 0.53%; no homozygotes.

Submissions (3):

Molecular Diagnostic Laboratory for Inherited Cardiovascular Disease, Montreal Heart Institute
Classification: Likely benign. Last evaluated: 2025-07-24. Review status: criteria provided, single submitter. Criteria: ACMG Guidelines, 2015. Collection method: clinical testing. Allele origin: germline. Affected: no.
Comment: BS1;BP1

PreventionGenetics, part of Exact Sciences
Classification: Likely benign for TTN-related condition. Last evaluated: 2025-07-17. Review status: criteria provided, single submitter. Criteria: ACMG Guidelines, 2015. Collection method: clinical testing. Allele origin: germline.
Comment: This variant is classified as likely benign based on ACMG/AMP sequence variant interpretation guidelines (Richards et al. 2015 PMID: 25741868, with internal and published modifications).

Women's Health and Genetics/Laboratory Corporation of America, LabCorp
Classification: Likely benign. Last evaluated: 2025-01-29. Review status: criteria provided, single submitter. Criteria: LabCorp Variant Classification Summary - May 2015. Collection method: clinical testing. Allele origin: germline.
Comment: Variant summary: TTN c.10360+2197G>T, also reported as NM_133379:c.11473G>T (p.Gly3825Cys), is located at a position not widely known to affect splicing. Three of three in-silico tools predict a benign effect of the variant on protein function. Consensus agreement among computation tools predict no significant impact on normal splicing. However, these predictions have yet to be confirmed by functional studies. The variant allele was found at a frequency of 0.00023 in 249424 control chromosomes, predominantly at a frequency of 0.0031 within the East Asian subpopulation in the gnomAD database. The observed variant frequency within East Asian control individuals in the gnomAD database exceeds the estimated maximal expected allele frequency for a pathogenic variant in TTN causing Autosomal Recessive Titinopathy phenotype. To our knowledge, no occurrence of c.10360+2197G>T in individuals affected with TTN-related conditions and no experimental evidence demonstrating its impact on protein function have been reported. No submitters have cited clinical-significance assessments for this variant to ClinVar. Based on the evidence outlined above, the variant was classified as likely benign.

NM_001267550.2(TTN):c.11311+2197G>T

Gene: TTN (titin; minus strand). Cytogenetic location: 2q31.2.
Variant type: single nucleotide variant.
Coding change: c.11311+2197G>T on transcript NM_001267550.2 (MANE Select); 2197 bases into the intron after coding-DNA position 11311, G replaced by T.
Molecular consequence: intron variant. On other transcripts: missense variant (1).
Genome position (GRCh38, 1-based): chr2:178,750,927, C>A on the plus strand (G>T on the coding strand, the complement: TTN is on the minus strand). VCF-style: chr2-178750927-C-A. GRCh37 (hg19) VCF-style: chr2-179615654-C-A.
Other names: c.11473G>T, p.Gly3825Cys (NM_133379.5); c.10222+2197G>T (NM_003319.4); c.10798+2197G>T (NM_133437.4); c.10597+2197G>T (NM_133432.3); c.10360+2197G>T (NM_133378.4, NM_001256850.1); short protein forms G3825C.
Identifiers: ClinVar variation 3629792 (VCV003629792.5), dbSNP rs138440219.